The following is an entry in ClinVar:

NM_001042702.5(PJVK):c.874G>A (p.Gly292Arg)

Gene: PJVK (pejvakin; plus strand). Cytogenetic location: 2q31.2.
Variant type: single nucleotide variant.
Coding change: c.874G>A on transcript NM_001042702.5 (MANE Select); coding-DNA position 874, G replaced by A.
Protein change: p.Gly292Arg; replaces glycine 292 with arginine.
Molecular consequence: missense variant.
Genome position (GRCh38, 1-based): chr2:178,461,089, G>A. VCF-style: chr2-178461089-G-A. GRCh37 (hg19) VCF-style: chr2-179325816-G-A.
Other names: c.874G>A (NM_001042702.4); c.883G>A, p.Gly295Arg (NM_001353775.2); c.880G>A, p.Gly294Arg (NM_001353776.2); c.397G>A, p.Gly133Arg (NM_001353777.1, NM_001353778.2); c.874G>A, p.Gly292Arg (NM_001369912.1); short protein forms G292R, G133R, G294R, G295R.
Identifiers: ClinVar variation 43873 (VCV000043873.32), dbSNP rs79399438, ClinGen allele CA133068.

ClinVar aggregate classification (germline): Benign/Likely benign. Review status: criteria provided, multiple submitters, no conflicts (2 of 4 stars). 11 submissions from 11 submitters: Benign (9); Likely benign (2). Last evaluated 2026-02-04.

Conditions:
Autosomal recessive nonsyndromic hearing loss 59. Identifiers: Orphanet 90636, MedGen C1857744, MONDO:0012445, OMIM 610220.

Allele frequency attached by ClinVar (database versions not stated): ESP Exome Variant Server 0.02414; gnomAD exomes 0.02578 and 0.02830; gnomAD 0.02648 and 0.02714; TOPMed 0.02840; ExAC 0.02877; 1000 Genomes Project 30x 0.04232; 1000 Genomes Project 0.04433.
gnomAD v4.1: 42,064 of 1,613,996 alleles (2.6%); highest among the groups gnomAD compares: East Asian, 14%; 897 homozygotes.

Submissions (11):

Labcorp Genetics (formerly Invitae), Labcorp
Classification: Benign. Last evaluated: 2026-02-04. Review status: criteria provided, single submitter. Criteria: Invitae Variant Classification Sherloc (09022015). Collection method: clinical testing. Allele origin: germline.

Blueprint Genetics
Classification: Benign. Last evaluated: 2024-11-26. Review status: criteria provided, single submitter. Criteria: ACMG Guidelines, 2015. Collection method: clinical testing. Allele origin: germline.

ARUP Laboratories, Molecular Genetics and Genomics, ARUP Laboratories
Classification: Benign. Last evaluated: 2023-10-03. Review status: criteria provided, single submitter. Criteria: ARUP Molecular Germline Variant Investigation Process 2024. Collection method: clinical testing. Allele origin: germline.

Mayo Clinic Laboratories, Mayo Clinic
Classification: Benign. Last evaluated: 2020-10-20. Review status: criteria provided, single submitter. Criteria: ACMG Guidelines, 2015. Collection method: clinical testing. Allele origin: germline. Observed: 13 variant alleles.

Athena Diagnostics
Classification: Benign. Last evaluated: 2018-10-12. Review status: criteria provided, single submitter. Criteria: Athena Diagnostics Criteria. Collection method: clinical testing. Allele origin: germline.

Illumina Laboratory Services, Illumina
Classification: Likely benign for Autosomal recessive nonsyndromic hearing loss 59. Last evaluated: 2018-03-06. Review status: criteria provided, single submitter. Criteria: ICSL Variant Classification Criteria 13 December 2019. Collection method: clinical testing. Allele origin: germline.
Comment: This variant was observed in the ICSL laboratory as part of a predisposition screen in an ostensibly healthy population. It had not been previously curated by ICSL or reported in the Human Gene Mutation Database (HGMD: prior to June 1st, 2018), and was therefore a candidate for classification through an automated scoring system. Utilizing variant allele frequency, disease prevalence and penetrance estimates, and inheritance mode, an automated score was calculated to assess if this variant is too frequent to cause the disease. Based on the score and internal cut-off values, a variant classified as likely benign is not then subjected to further curation. The score for this variant resulted in a classification of likely benign for this disease.

GeneDx
Classification: Benign. Last evaluated: 2017-09-08. Review status: criteria provided, single submitter. Criteria: GeneDx Variant Classification (06012015). Collection method: clinical testing. Allele origin: germline. Affected: yes.
Comment: This variant is considered likely benign or benign based on one or more of the following criteria: it is a conservative change, it occurs at a poorly conserved position in the protein, it is predicted to be benign by multiple in silico algorithms, and/or has population frequency not consistent with disease.

Eurofins Ntd Llc (ga)
Classification: Benign. Last evaluated: 2017-07-28. Review status: criteria provided, single submitter. Criteria: EGL Classification Definitions 2015. Collection method: clinical testing. Allele origin: germline. Observed: 1 variant allele, 1 heterozygote.

Laboratory for Molecular Medicine, Mass General Brigham Personalized Medicine
Classification: Benign. Last evaluated: 2012-05-07. Review status: criteria provided, single submitter. Criteria: LMM Criteria. Collection method: clinical testing. Allele origin: germline. Observed: 97 variant alleles.
Comment: Gly292Arg in Exon 07 of DFNB59: This variant is not expected to have clinical si gnificance because it has been identified in 2.9% (87/3024) of African American chromosomes from a broad population by the NHLBI Exome Sequencing Project (dbSNP rs79399438).

Breakthrough Genomics
Classification: Likely benign. Review status: criteria provided, single submitter. Criteria: ACMG Guidelines, 2015. Collection method: not provided. Allele origin: germline. Inheritance: Autosomal recessive inheritance. Affected: yes.

PreventionGenetics, part of Exact Sciences
Classification: Benign. Review status: criteria provided, single submitter. Criteria: ACMG Guidelines, 2015. Collection method: clinical testing. Allele origin: germline.